The following is an entry in ClinVar:

NM_006231.4(POLE):c.608A>C (p.Asp203Ala)

Gene: POLE (DNA polymerase epsilon, catalytic subunit; minus strand). Cytogenetic location: 12q24.33.
Variant type: single nucleotide variant.
Coding change: c.608A>C on transcript NM_006231.4 (MANE Select); coding-DNA position 608, A replaced by C.
Protein change: p.Asp203Ala; replaces aspartic acid 203 with alanine.
Molecular consequence: missense variant.
Genome position (GRCh38, 1-based): chr12:132,677,690, T>G on the plus strand (A>C on the coding strand, the complement: POLE is on the minus strand). VCF-style: chr12-132677690-T-G. GRCh37 (hg19) VCF-style: chr12-133254276-T-G.
Other names: short protein forms D203A.
Identifiers: ClinVar variation 4141239 (VCV004141239.1).

ClinVar aggregate classification (germline): Uncertain significance (1 of 4 stars; one submission).

Conditions:
Hereditary cancer-predisposing syndrome. Also called: Hereditary neoplastic syndrome; Neoplastic Syndromes, Hereditary; Tumor predisposition; Hereditary Cancer Syndrome. Identifiers: Orphanet 140162, MedGen C0027672, MeSH D009386, MONDO:0015356.

Submission:

Ambry Genetics
Classification: Uncertain significance for Hereditary cancer-predisposing syndrome. Last evaluated: 2025-09-04. Review status: criteria provided, single submitter. Criteria: Ambry Variant Classification Scheme 2023. Collection method: clinical testing. Allele origin: germline.
Comment: The p.D203A variant (also known as c.608A>C), located in coding exon 7 of the POLE gene, results from an A to C substitution at nucleotide position 608. The aspartic acid at codon 203 is replaced by alanine, an amino acid with dissimilar properties. This amino acid position is conserved. In addition, this alteration is predicted to be tolerated by in silico analysis. Based on the available evidence, the clinical significance of this variant remains unclear.